The following is an entry in ClinVar:

ClinVar aggregate classification (germline): Uncertain significance (1 of 4 stars; one submission).

Allele frequency attached by ClinVar (database versions not stated): TOPMed below 0.00001; gnomAD exomes 0.00001.
gnomAD v4.1: 19 of 1,614,060 alleles (0.0012%); highest among the groups gnomAD compares: Non-Finnish European, 0.0016%; no homozygotes.

Submission:

Labcorp Genetics (formerly Invitae), Labcorp
Classification: Uncertain significance. Last evaluated: 2024-02-24. Review status: criteria provided, single submitter. Criteria: Invitae Variant Classification Sherloc (09022015). Collection method: clinical testing. Allele origin: germline.
Comment: This sequence change replaces alanine, which is neutral and non-polar, with serine, which is neutral and polar, at codon 1523 of the LRP5 protein (p.Ala1523Ser). This variant is not present in population databases (gnomAD no frequency). This variant has not been reported in the literature in individuals affected with LRP5-related conditions. ClinVar contains an entry for this variant (Variation ID: 847814). Advanced modeling of protein sequence and biophysical properties (such as structural, functional, and spatial information, amino acid conservation, physicochemical variation, residue mobility, and thermodynamic stability) performed at Invitae indicates that this missense variant is not expected to disrupt LRP5 protein function with a negative predictive value of 95%. In summary, the available evidence is currently insufficient to determine the role of this variant in disease. Therefore, it has been classified as a Variant of Uncertain Significance.

NM_002335.4(LRP5):c.4567G>T (p.Ala1523Ser)

Gene: LRP5 (LDL receptor related protein 5; plus strand). Cytogenetic location: 11q13.2.
Variant type: single nucleotide variant.
Coding change: c.4567G>T on transcript NM_002335.4 (MANE Select); coding-DNA position 4567, G replaced by T.
Protein change: p.Ala1523Ser; replaces alanine 1523 with serine.
Molecular consequence: missense variant.
Genome position (GRCh38, 1-based): chr11:68,446,514, G>T. VCF-style: chr11-68446514-G-T. GRCh37 (hg19) VCF-style: chr11-68213982-G-T.
Other names: c.2824G>T, p.Ala942Ser (NM_001291902.2); short protein forms A1523S, A942S.
Identifiers: ClinVar variation 847814 (VCV000847814.11), dbSNP rs757841896, ClinGen allele CA224259431.
Genomic context (GRCh38, chr11:68,446,514, plus strand): 5'-TCCCCGGCCACGGACCCCTCCCTGTACAACATGGACATGTTCTACTCTTCAAACATTCCG[G>T]CCACTGCGAGACCGTACAGGTAGGACATCCCCTGCAGCCCTCCATGGCCATTGGGTTCCC-3'
Protein context (NP_002326.2, residues 1513-1533): MDMFYSSNIP[Ala1523Ser]TARPYRPYII